The following is an entry in ClinVar:

NM_015062.5(PPRC1):c.4326_4328dup (p.Ser1451_Arg1452insSer)

Gene: PPRC1 (PPARG related coactivator 1; plus strand). Cytogenetic location: 10q24.32.
Variant type: Duplication.
Coding change: c.4326_4328dup on transcript NM_015062.5 (MANE Select); coding-DNA positions 4326 to 4328, 3 bases duplicated (CTC; older notation c.4326_4328dupCTC).
Protein change: p.Ser1451_Arg1452insSer.
Molecular consequence: inframe insertion. On other transcripts: intron variant (1).
Genome position (GRCh38, 1-based): chr10:102,147,318-102,147,320, CTC duplicated; duplicating any 3 consecutive bases within chr10:102,147,316-102,147,320 gives the same sequence; the c. name uses the placement nearest the transcript's 3' end. VCF-style (leftmost placement, unchanged base first): chr10-102147315-T-TTCC. GRCh37 (hg19) VCF-style: chr10-103907072-T-TTCC.
Other names: c.3966_3968dup, p.Ser1331_Arg1332insSer (NM_001288728.2); c.3609-1054_3609-1052dup (NM_001288727.2); c.4326_4328dupCTC (NM_015062.4).
Identifiers: ClinVar variation 2640784 (VCV002640784.25), dbSNP rs376962432, ClinGen allele CA5661502.

ClinVar aggregate classification (germline): Likely benign. Review status: criteria provided, single submitter (1 of 4 stars). 2 submissions from 2 submitters: Likely benign (1). 1 of the submissions does not count toward it. Last evaluated 2023-04-01.

Conditions:
PPRC1-related disorder. Also called: PPRC1-related condition.

Submissions (2):

CeGaT Center for Human Genetics Tuebingen
Classification: Likely benign. Last evaluated: 2023-04-01. Review status: criteria provided, single submitter. Criteria: CeGaT Center For Human Genetics Tuebingen Variant Classification Criteria Version 2. Collection method: clinical testing. Allele origin: germline. Affected: yes. Observed: 1 variant allele.
Comment: PPRC1: BS2

PreventionGenetics, part of Exact Sciences
Classification: Likely benign for PPRC1-related condition. Last evaluated: 2019-03-18. Review status: no assertion criteria provided. Collection method: clinical testing. Allele origin: germline. Not counted in ClinVar's aggregate classification.
Comment: This variant is classified as likely benign based on ACMG/AMP sequence variant interpretation guidelines (Richards et al. 2015 PMID: 25741868, with internal and published modifications).